The following is an entry in ClinVar:

NM_021969.3(NR0B2):c.721A>G (p.Ile241Val)

Genes: NR0B2 (nuclear receptor subfamily 0 group B member 2; minus strand), NUDC (nuclear distribution C, dynein complex regulator; plus strand). Cytogenetic location: 1p36.11.
Variant type: single nucleotide variant.
Coding change: c.721A>G on transcript NM_021969.3 (MANE Select); coding-DNA position 721, A replaced by G.
Protein change: p.Ile241Val; replaces isoleucine 241 with valine.
Molecular consequence: missense variant.
Genome position (GRCh38, 1-based): chr1:26,911,898, T>C on the plus strand (A>G on the coding strand, the complement: NR0B2 is on the minus strand). VCF-style: chr1-26911898-T-C. GRCh37 (hg19) VCF-style: chr1-27238389-T-C.
Other names: short protein forms I241V.
Identifiers: ClinVar variation 5002521 (VCV005002521.1).

ClinVar aggregate classification (germline): Uncertain significance (1 of 4 stars; one submission).

Conditions:
NR0B2-related disorder. Also called: NR0B2-related condition.

gnomAD v4.1: 2 of 1,614,044 alleles (0.00012%); highest among the groups gnomAD compares: East Asian, 0.0022%; no homozygotes.

Submission:

PreventionGenetics, part of Exact Sciences
Classification: Uncertain significance for NR0B2-related condition. Last evaluated: 2024-10-15. Review status: criteria provided, single submitter. Criteria: ACMG Guidelines, 2015. Collection method: clinical testing. Allele origin: germline.
Comment: The NR0B2 c.721A>G variant is predicted to result in the amino acid substitution p.Ile241Val. To our knowledge, this variant has not been reported in the literature or in a large population database (gnomAD), indicating this variant is rare. At this time, the clinical significance of this variant is uncertain due to the absence of conclusive functional and genetic evidence.